The following is an entry in ClinVar:

NM_002250.3(KCNN4):c.807C>T (p.Cys269=)

Gene: KCNN4 (potassium calcium-activated channel subfamily N member 4; minus strand). Cytogenetic location: 19q13.31.
Variant type: single nucleotide variant.
Coding change: c.807C>T on transcript NM_002250.3 (MANE Select); coding-DNA position 807, C replaced by T.
Protein change: p.Cys269=; no amino-acid change (cysteine 269 retained).
Molecular consequence: synonymous variant.
Genome position (GRCh38, 1-based): chr19:43,772,012, G>A on the plus strand (C>T on the coding strand, the complement: KCNN4 is on the minus strand). VCF-style: chr19-43772012-G-A. GRCh37 (hg19) VCF-style: chr19-44276164-G-A.
Other names: p.Cys269=.
Identifiers: ClinVar variation 4684379 (VCV004684379.1).

ClinVar aggregate classification (germline): Likely benign (1 of 4 stars; one submission).

gnomAD v4.1: 11 of 1,611,622 alleles (0.00068%); highest among the groups gnomAD compares: South Asian, 0.0066%; no homozygotes.

Submission:

Mayo Clinic Laboratories, Mayo Clinic
Classification: Likely benign. Last evaluated: 2025-10-23. Review status: criteria provided, single submitter. Criteria: ACMG Guidelines, 2015. Collection method: clinical testing. Allele origin: germline. Observed: 2 variant alleles.
Comment: BP4, BP7, PM2_supporting